The following is an entry in ClinVar:

ClinVar aggregate classification (germline): Uncertain significance (1 of 4 stars; one submission).

Allele frequency attached by ClinVar (database versions not stated): ExAC 0.00001.

Submission:

Labcorp Genetics (formerly Invitae), Labcorp
Classification: Uncertain significance. Last evaluated: 2022-03-13. Review status: criteria provided, single submitter. Criteria: Invitae Variant Classification Sherloc (09022015). Collection method: clinical testing. Allele origin: germline.
Comment: Algorithms developed to predict the effect of missense changes on protein structure and function are either unavailable or do not agree on the potential impact of this missense change (SIFT: "Deleterious"; PolyPhen-2: "Probably Damaging"; Align-GVGD: "Class C0"). In summary, the available evidence is currently insufficient to determine the role of this variant in disease. Therefore, it has been classified as a Variant of Uncertain Significance. This variant has not been reported in the literature in individuals affected with PPCS-related conditions. This variant is present in population databases (rs756903119, gnomAD 0.007%). This sequence change replaces serine, which is neutral and polar, with tryptophan, which is neutral and slightly polar, at codon 274 of the PPCS protein (p.Ser274Trp).

NM_024664.4(PPCS):c.821C>G (p.Ser274Trp)

Genes: CCDC30 (coiled-coil domain containing 30; plus strand), PPCS (phosphopantothenoylcysteine synthetase; plus strand). Cytogenetic location: 1p34.2.
Variant type: single nucleotide variant.
Coding change: c.821C>G on transcript NM_024664.4 (MANE Select); coding-DNA position 821, C replaced by G.
Protein change: p.Ser274Trp; replaces serine 274 with tryptophan.
Molecular consequence: missense variant. On other transcripts: intron variant (2).
Genome position (GRCh38, 1-based): chr1:42,459,811, C>G. VCF-style: chr1-42459811-C-G. GRCh37 (hg19) VCF-style: chr1-42925482-C-G.
Other names: c.302C>G, p.Ser101Trp (NM_001077447.3, NM_001287506.1, NM_001287508.2 and 2 more transcripts); c.203C>G, p.Ser68Trp (NM_001287507.1); c.-880+2461C>G (NM_001355226.2); c.612+2461C>G (NM_001287511.2); short protein forms S101W, S274W, S68W.
Identifiers: ClinVar variation 2111185 (VCV002111185.4), dbSNP rs756903119, ClinGen allele CA800080.
Genomic context (GRCh38, chr1:42,459,811, plus strand): 5'-TGGTGGTGGCTAATATCCTTGAGTCACGACAGTCCTTTGTGTTTATTGTAACCAAAGACT[C>G]GGAAACCAAGTTATTGCTATCAGAGGAAGAAATAGAAAAAGGCGTAGAGATAGAAGAGAA-3'
Protein context (NP_078940.2, residues 264-284): QSFVFIVTKD[Ser274Trp]ETKLLLSEEE